The following is an entry in ClinVar:

NM_001378457.1(DMXL2):c.5333G>A (p.Gly1778Asp)

Gene: DMXL2 (Dmx like 2; minus strand). Cytogenetic location: 15q21.2.
Variant type: single nucleotide variant.
Coding change: c.5333G>A on transcript NM_001378457.1 (MANE Select); coding-DNA position 5333, G replaced by A.
Protein change: p.Gly1778Asp; replaces glycine 1778 with aspartic acid.
Molecular consequence: missense variant. On other transcripts: non-coding transcript variant (2).
Genome position (GRCh38, 1-based): chr15:51,486,222, C>T on the plus strand (G>A on the coding strand, the complement: DMXL2 is on the minus strand). VCF-style: chr15-51486222-C-T. GRCh37 (hg19) VCF-style: chr15-51778419-C-T.
Other names: c.5333G>A, p.Gly1778Asp (NM_001174116.3, NM_001378458.1, NM_001378459.1 and 4 more transcripts); c.3425G>A, p.Gly1142Asp (NM_001174117.3); c.3314G>A, p.Gly1105Asp (NM_001378460.1); c.5093G>A, p.Gly1698Asp (NM_001378464.1); c.5333G>A (NM_001174116.1); short protein forms G1698D, G1778D, G1105D, G1142D.
Identifiers: ClinVar variation 1347290 (VCV001347290.6), dbSNP rs186940430, ClinGen allele CA7561820.

ClinVar aggregate classification (germline): Uncertain significance. Review status: criteria provided, multiple submitters, no conflicts (2 of 4 stars). 3 submissions from 3 submitters: Uncertain significance (3). Last evaluated 2025-01-08.

Conditions:
Inborn genetic diseases. Identifiers: MedGen C0950123, MeSH D030342.

gnomAD v4.1: 8 of 1,613,808 alleles (0.0005%); highest among the groups gnomAD compares: African/African-American, 0.0013%; no homozygotes.

Submissions (3):

Ambry Genetics
Classification: Uncertain significance for Inborn genetic diseases. Last evaluated: 2025-01-08. Review status: criteria provided, single submitter. Criteria: Ambry Variant Classification Scheme 2023. Collection method: clinical testing. Allele origin: germline.

GeneDx
Classification: Uncertain significance. Last evaluated: 2023-03-15. Review status: criteria provided, single submitter. Criteria: GeneDx Variant Classification Process June 2021. Collection method: clinical testing. Allele origin: germline. Affected: yes.
Comment: In silico analysis supports that this missense variant has a deleterious effect on protein structure/function; Has not been previously published as pathogenic or benign to our knowledge

Labcorp Genetics (formerly Invitae), Labcorp
Classification: Uncertain significance. Last evaluated: 2022-07-15. Review status: criteria provided, single submitter. Criteria: Invitae Variant Classification Sherloc (09022015). Collection method: clinical testing. Allele origin: germline.
Comment: This sequence change replaces glycine, which is neutral and non-polar, with aspartic acid, which is acidic and polar, at codon 1778 of the DMXL2 protein (p.Gly1778Asp). This variant is present in population databases (rs186940430, gnomAD 0.007%). This variant has not been reported in the literature in individuals affected with DMXL2-related conditions. ClinVar contains an entry for this variant (Variation ID: 1347290). Algorithms developed to predict the effect of missense changes on protein structure and function (SIFT, PolyPhen-2, Align-GVGD) all suggest that this variant is likely to be disruptive. In summary, the available evidence is currently insufficient to determine the role of this variant in disease. Therefore, it has been classified as a Variant of Uncertain Significance.